The following is an entry in ClinVar:

ClinVar aggregate classification (germline): Uncertain significance (1 of 4 stars; one submission).

Conditions:
PLXNA1-related disorder. Also called: PLXNA1-related condition.

gnomAD v4.1: 1 of 1,613,428 alleles (0.000062%); highest among the groups gnomAD compares: Non-Finnish European, 0.000085%; no homozygotes.

Submission:

PreventionGenetics, part of Exact Sciences
Classification: Uncertain significance for PLXNA1-related condition. Last evaluated: 2026-02-20. Review status: criteria provided, single submitter. Criteria: ACMG Guidelines, 2015. Collection method: clinical testing. Allele origin: germline.
Comment: The PLXNA1 c.3371A>G variant is predicted to result in the amino acid substitution p.Asp1124Gly. To our knowledge, this variant has not been reported in the literature or in a large population database (gnomAD), indicating this variant is rare. At this time, the clinical significance of this variant is uncertain due to the absence of conclusive functional and genetic evidence.

NM_032242.4(PLXNA1):c.3371A>G (p.Asp1124Gly)

Gene: PLXNA1 (plexin A1; plus strand). Cytogenetic location: 3q21.3.
Variant type: single nucleotide variant.
Coding change: c.3371A>G on transcript NM_032242.4 (MANE Select); coding-DNA position 3371, A replaced by G.
Protein change: p.Asp1124Gly; replaces aspartic acid 1124 with glycine.
Molecular consequence: missense variant.
Genome position (GRCh38, 1-based): chr3:127,017,519, A>G. VCF-style: chr3-127017519-A-G. GRCh37 (hg19) VCF-style: chr3-126736362-A-G.
Other names: short protein forms D1124G.
Identifiers: ClinVar variation 4992868 (VCV004992868.1).
Genomic context (GRCh38, chr3:127,017,519, plus strand): 5'-GCCGCGCCCCGTCTGTGGCCAACCCTGTGCGCAGCCCACCAGAGCTGGGGGAGCGGCCGG[A>G]TGAGCTGGGCTTCGTCATGGACAACGTGCGCTCCCTGCTTGTGCTCAACTCCACCTCCTT-3'
Protein context (NP_115618.3, residues 1114-1134): RSPPELGERP[Asp1124Gly]ELGFVMDNVR